The following is an entry in ClinVar:

ClinVar aggregate classification (germline): Pathogenic/Likely pathogenic. Review status: criteria provided, multiple submitters, no conflicts (2 of 4 stars). 2 submissions from 2 submitters: Pathogenic (1); Likely pathogenic (1). Last evaluated 2025-03-12.

Conditions:
NOTCH3-related disorder. Also called: NOTCH3-related condition; NOTCH3-related disorders.

Submissions (2):

PreventionGenetics, part of Exact Sciences
Classification: Likely pathogenic for NOTCH3-related condition. Last evaluated: 2025-03-12. Review status: criteria provided, single submitter. Criteria: ACMG Guidelines, 2015. Collection method: clinical testing. Allele origin: germline.
Comment: The NOTCH3 c.1597T>C variant is predicted to result in the amino acid substitution p.Cys533Arg. To our knowledge, this variant has not been reported in the literature or in a large population database (gnomAD), indicating this variant is rare. It is documented as pathogenic in ClinVar by a single submission (ClinVar ID: 447789). Most CADASIL-causing variants in the NOTCH3 gene result in the gain or loss of one or more cysteine residues in the extracellular domain of the protein, as seen in this patient. This patient’s variant alters a cysteine residue and is located in the extracellular EGF-like domain 13. Pathogenic variants in EGF-like domains 1-6 appear to be fully penetrant and are usually associated with the classical CADASIL phenotype. Pathogenic variants in EGF-like domains 7-34 have a much higher population frequency, and can predispose to a milder small vessel disease, possibly even displaying incomplete or at least very late onset complete penetrance (OMIM #125310; Rutten et al. 2016. PubMed ID: 27844030; Rutten et al. 2019. PubMed ID: 30032161). This variant is interpreted as likely pathogenic.

Athena Diagnostics
Classification: Pathogenic. Last evaluated: 2015-09-08. Review status: criteria provided, single submitter. Criteria: Athena Diagnostics Criteria. Collection method: clinical testing. Allele origin: germline.

NM_000435.3(NOTCH3):c.1597T>C (p.Cys533Arg)

Gene: NOTCH3 (notch receptor 3; minus strand). Cytogenetic location: 19p13.12.
Variant type: single nucleotide variant.
Coding change: c.1597T>C on transcript NM_000435.3 (MANE Select); coding-DNA position 1597, T replaced by C.
Protein change: p.Cys533Arg; replaces cysteine 533 with arginine.
Molecular consequence: missense variant.
Genome position (GRCh38, 1-based): chr19:15,187,890, A>G on the plus strand (T>C on the coding strand, the complement: NOTCH3 is on the minus strand). VCF-style: chr19-15187890-A-G. GRCh37 (hg19) VCF-style: chr19-15298701-A-G.
Other names: short protein forms C533R.
Identifiers: ClinVar variation 447789 (VCV000447789.2), dbSNP rs1555728898, ClinGen allele CA404526271.
Genomic context (GRCh38, chr19:15,187,890, plus strand): 5'-CCACAAGCCCCGCCTCCTGATTCTTGTCGGACTGTCATTGGCCCGCCTCACCCTCGGCAC[A>G]GCGGCACTCGTAGCCATCGGGCTGGTCCACGCATTTGGCGCCATTCCTGCAGGGCGTGCT-3'
Protein context (NP_000426.2, residues 523-543): VDQPDGYECR[Cys533Arg]AEGFEGTLCD